The following is an entry in ClinVar:

ClinVar aggregate classification (germline): Uncertain significance (1 of 4 stars; one submission).

Conditions:
Mucopolysaccharidosis, MPS-III-A (MPS3A). Also called: HEPARAN SULFATE SULFATASE DEFICIENCY; SANFILIPPO SYNDROME A; SULFAMIDASE DEFICIENCY; MPS III A; Mucopolysaccharidosis type IIIA (Sanfilippo A); Mucopolysaccharidosis, type IIIA. Identifiers: Orphanet 581, Orphanet 79269, MedGen C0086647, MONDO:0009655, OMIM 252900.

gnomAD v4.1: 1 of 1,519,378 alleles (0.000066%); highest among the groups gnomAD compares: Non-Finnish European, 0.000088%; no homozygotes.

Submission:

Labcorp Genetics (formerly Invitae), Labcorp
Classification: Uncertain significance for Mucopolysaccharidosis, MPS-III-A. Last evaluated: 2022-06-04. Review status: criteria provided, single submitter. Criteria: Invitae Variant Classification Sherloc (09022015). Collection method: clinical testing. Allele origin: germline.
Comment: This sequence change affects codon 29 of the SGSH mRNA. It is a 'silent' change, meaning that it does not change the encoded amino acid sequence of the SGSH protein. It affects a nucleotide within the consensus splice site. This variant is not present in population databases (gnomAD no frequency). This variant has not been reported in the literature in individuals affected with SGSH-related conditions. Algorithms developed to predict the effect of sequence changes on RNA splicing suggest that this variant is not likely to affect RNA splicing. In summary, the available evidence is currently insufficient to determine the role of this variant in disease. Therefore, it has been classified as a Variant of Uncertain Significance.

NM_000199.5(SGSH):c.87C>A (p.Leu29=)

Gene: SGSH (N-sulfoglucosamine sulfohydrolase; minus strand). Cytogenetic location: 17q25.3.
Variant type: single nucleotide variant.
Coding change: c.87C>A on transcript NM_000199.5 (MANE Select); coding-DNA position 87, C replaced by A.
Protein change: p.Leu29=; no amino-acid change (leucine 29 retained).
Molecular consequence: synonymous variant. On other transcripts: non-coding transcript variant (1).
Genome position (GRCh38, 1-based): chr17:80,220,227, G>T on the plus strand (C>A on the coding strand, the complement: SGSH is on the minus strand). VCF-style: chr17-80220227-G-T. GRCh37 (hg19) VCF-style: chr17-78194026-G-T.
Other names: c.87C>A, p.Leu29= (NM_001352921.3, NM_001352922.2).
Identifiers: ClinVar variation 1914341 (VCV001914341.2), dbSNP rs1490334490, ClinGen allele CA502204890.